The following is an entry in ClinVar:

NM_001458.5(FLNC):c.4928-1G>C

Gene: FLNC (filamin C; plus strand). Cytogenetic location: 7q32.1.
Variant type: single nucleotide variant.
Coding change: c.4928-1G>C on transcript NM_001458.5 (MANE Select); the canonical splice acceptor site of the intron before coding-DNA position 4928, G replaced by C.
Molecular consequence: splice acceptor variant.
Genome position (GRCh38, 1-based): chr7:128,849,180, G>C. VCF-style: chr7-128849180-G-C. GRCh37 (hg19) VCF-style: chr7-128489234-G-C.
Other names: c.4928-1G>C (NM_001127487.2).
Identifiers: ClinVar variation 2921780 (VCV002921780.3), dbSNP rs2536649820, ClinGen allele CA369203722.
Genomic context (GRCh38, chr7:128,849,180, plus strand): 5'-CCGCCCAATGCCCCAGCCCACGTTGAGCACCGCCTGGCCTCACACTCTTCTCTCTTTCCA[G>C]TGTCCATTGGAGGCCATGGCCTGGGTGAGTGCCCTTTCTCTCCTCTTCTTGGTGTGGGCC-3'

ClinVar aggregate classification (germline): Likely pathogenic (1 of 4 stars; one submission).

Conditions:
Myofibrillar myopathy 5. Also called: FILAMINOPATHY, AUTOSOMAL DOMINANT; Filaminopathy (type). Identifiers: Orphanet 171445, MedGen C1836050, MONDO:0012289, OMIM 609524.
Hypertrophic cardiomyopathy 26. Also called: Cardiomyopathy, familial hypertrophic, 26. Identifiers: Orphanet 75249, MedGen C4310749, MONDO:0014883, OMIM 617047.
Distal myopathy with posterior leg and anterior hand involvement. Also called: WILLIAMS DISTAL MYOPATHY. Identifiers: Orphanet 63273, MedGen C3279722, MONDO:0013550, OMIM 614065.

Submission:

Labcorp Genetics (formerly Invitae), Labcorp
Classification: Likely pathogenic for Distal myopathy with posterior leg and anterior hand involvement; Myofibrillar myopathy 5; Hypertrophic cardiomyopathy 26. Last evaluated: 2023-12-29. Review status: criteria provided, single submitter. Criteria: Invitae Variant Classification Sherloc (09022015). Collection method: clinical testing. Allele origin: germline.
Comment: This sequence change affects an acceptor splice site in intron 28 of the FLNC gene. It is expected to disrupt RNA splicing. Variants that disrupt the donor or acceptor splice site typically lead to a loss of protein function (PMID: 16199547), and loss-of-function variants in FLNC are known to be pathogenic (PMID: 27908349). This variant is not present in population databases (gnomAD no frequency). This variant has not been reported in the literature in individuals affected with FLNC-related conditions. Algorithms developed to predict the effect of sequence changes on RNA splicing suggest that this variant may disrupt the consensus splice site. In summary, the currently available evidence indicates that the variant is pathogenic, but additional data are needed to prove that conclusively. Therefore, this variant has been classified as Likely Pathogenic.

Literature cited by the submitters: PubMed 16199547; PubMed 27908349.